The following is an entry in ClinVar:

ClinVar aggregate classification (germline): Likely benign. Review status: criteria provided, multiple submitters, no conflicts (2 of 4 stars). 2 submissions from 2 submitters: Likely benign (2). Last evaluated 2024-08-01.

Conditions:
Inborn genetic diseases. Identifiers: MedGen C0950123, MeSH D030342.

Allele frequency attached by ClinVar (database versions not stated): TOPMed 0.00007; gnomAD 0.00008; ExAC 0.00012; ESP Exome Variant Server 0.00017; gnomAD exomes 0.00017.
gnomAD v4.1: 249 of 1,613,172 alleles (0.015%); highest among the groups gnomAD compares: Non-Finnish European, 0.02%; no homozygotes.

Submissions (2):

CeGaT Center for Human Genetics Tuebingen
Classification: Likely benign. Last evaluated: 2024-08-01. Review status: criteria provided, single submitter. Criteria: CeGaT Center For Human Genetics Tuebingen Variant Classification Criteria Version 2. Collection method: clinical testing. Allele origin: germline. Affected: yes. Observed: 1 variant allele.
Comment: ZNF292: BP4, BS1

Ambry Genetics
Classification: Likely benign for Inborn genetic diseases. Last evaluated: 2021-12-07. Review status: criteria provided, single submitter. Criteria: Ambry Variant Classification Scheme 2023. Collection method: clinical testing. Allele origin: germline.

NM_015021.3(ZNF292):c.5432C>T (p.Pro1811Leu)

Gene: ZNF292 (zinc finger protein 292; plus strand). Cytogenetic location: 6q14.3.
Variant type: single nucleotide variant.
Coding change: c.5432C>T on transcript NM_015021.3 (MANE Select); coding-DNA position 5432, C replaced by T.
Protein change: p.Pro1811Leu; replaces proline 1811 with leucine.
Molecular consequence: missense variant.
Genome position (GRCh38, 1-based): chr6:87,259,061, C>T. VCF-style: chr6-87259061-C-T. GRCh37 (hg19) VCF-style: chr6-87968779-C-T.
Other names: c.5012C>T, p.Pro1671Leu (NM_001351444.2); short protein forms P1811L, P1671L.
Identifiers: ClinVar variation 2380747 (VCV002380747.18), dbSNP rs202137359, ClinGen allele CA3914482.